The following is an entry in ClinVar:

NM_024589.3(ROGDI):c.35G>T (p.Arg12Leu)

Gene: ROGDI (rogdi atypical leucine zipper; minus strand). Cytogenetic location: 16p13.3.
Variant type: single nucleotide variant.
Coding change: c.35G>T on transcript NM_024589.3 (MANE Select); coding-DNA position 35, G replaced by T.
Protein change: p.Arg12Leu; replaces arginine 12 with leucine.
Molecular consequence: missense variant. On other transcripts: non-coding transcript variant (1).
Genome position (GRCh38, 1-based): chr16:4,802,537, C>A on the plus strand (G>T on the coding strand, the complement: ROGDI is on the minus strand). VCF-style: chr16-4802537-C-A. GRCh37 (hg19) VCF-style: chr16-4852538-C-A.
Other names: short protein forms R12L.
Identifiers: ClinVar variation 1055227 (VCV001055227.9), dbSNP rs2141915953, ClinGen allele CA394656808.

ClinVar aggregate classification (germline): Uncertain significance (1 of 4 stars; one submission).

Conditions:
Amelocerebrohypohidrotic syndrome (KTZS). Also called: Kohlschutter's syndrome; EPILEPSY AND YELLOW TEETH; EPILEPSY, DEMENTIA, AND AMELOGENESIS IMPERFECTA; KOHLSCHUTTER SYNDROME. Identifiers: Orphanet 1946, MedGen C0406740, MONDO:0009185, OMIM 226750.

Submission:

Labcorp Genetics (formerly Invitae), Labcorp
Classification: Uncertain significance for Amelocerebrohypohidrotic syndrome. Last evaluated: 2020-01-30. Review status: criteria provided, single submitter. Criteria: Invitae Variant Classification Sherloc (09022015). Collection method: clinical testing. Allele origin: germline.
Comment: In summary, the available evidence is currently insufficient to determine the role of this variant in disease. Therefore, it has been classified as a Variant of Uncertain Significance. Experimental studies and prediction algorithms are not available or were not evaluated, and the functional significance of this variant is currently unknown. This variant has not been reported in the literature in individuals with ROGDI-related conditions. The frequency data for this variant in the population databases is considered unreliable, as metrics indicate insufficient coverage at this position in the ExAC database. This sequence change replaces arginine with leucine at codon 12 of the ROGDI protein (p.Arg12Leu). The arginine residue is highly conserved and there is a moderate physicochemical difference between arginine and leucine.